The following is an entry in ClinVar:

NM_004407.4(DMP1):c.457C>T (p.Gln153Ter)

Genes: DMP1 (dentin matrix acidic phosphoprotein 1; plus strand), DMP1-AS1 (DMP1 and DSPP antisense RNA 1; minus strand). Cytogenetic location: 4q22.1.
Variant type: single nucleotide variant.
Coding change: c.457C>T on transcript NM_004407.4 (MANE Select); coding-DNA position 457, C replaced by T.
Protein change: p.Gln153Ter; replaces glutamine 153 with a stop codon.
Molecular consequence: nonsense.
Genome position (GRCh38, 1-based): chr4:87,662,235, C>T. VCF-style: chr4-87662235-C-T. GRCh37 (hg19) VCF-style: chr4-88583387-C-T.
Other names: c.409C>T, p.Gln137Ter (NM_001079911.3); short protein forms Q137*, Q153*.
Identifiers: ClinVar variation 5006802 (VCV005006802.2).

ClinVar aggregate classification (germline): Uncertain significance (1 of 4 stars; one submission).

Conditions:
Hypophosphatemic rickets, autosomal recessive, 1 (ARHR1). Also called: HYPOPHOSPHATEMIA, AUTOSOMAL RECESSIVE. Identifiers: Orphanet 289176, MedGen C4551495, MONDO:0009430, OMIM 241520. Disease mechanism: loss of function.

gnomAD v4.1: 2 of 1,614,150 alleles (0.00012%); highest among the groups gnomAD compares: Non-Finnish European, 0.000085%; no homozygotes.

Submission:

Juno Genomics, Hangzhou Juno Genomics, Inc
Classification: Uncertain significance for Hypophosphatemic rickets, autosomal recessive, 1. Review status: criteria provided, single submitter. Criteria: ACMG Guidelines, 2015. Collection method: clinical testing. Allele origin: germline.
Comment: Null variant in a gene where loss of function (LOF) is a known mechanism of disease.;Absent from controls (or at extremely low frequency if recessive) in Genome Aggregation Database.